The following is an entry in ClinVar:

ClinVar aggregate classification (germline): Uncertain significance (1 of 4 stars; one submission).

Allele frequency attached by ClinVar (database versions not stated): ExAC 0.00001; gnomAD exomes 0.00001.
gnomAD v4.1: 4 of 1,614,170 alleles (0.00025%); highest among the groups gnomAD compares: East Asian, 0.0089%; no homozygotes.

Submission:

Labcorp Genetics (formerly Invitae), Labcorp
Classification: Uncertain significance. Last evaluated: 2023-05-01. Review status: criteria provided, single submitter. Criteria: Invitae Variant Classification Sherloc (09022015). Collection method: clinical testing. Allele origin: germline.
Comment: In summary, the available evidence is currently insufficient to determine the role of this variant in disease. Therefore, it has been classified as a Variant of Uncertain Significance. Advanced modeling of protein sequence and biophysical properties (such as structural, functional, and spatial information, amino acid conservation, physicochemical variation, residue mobility, and thermodynamic stability) performed at Invitae indicates that this missense variant is not expected to disrupt KMT2A protein function. This missense change has been observed in individual(s) with clinical features of KMT2A-related conditions (PMID: 32901917). This variant is present in population databases (rs200260418, gnomAD 0.01%). This sequence change replaces glutamine, which is neutral and polar, with histidine, which is basic and polar, at codon 3460 of the KMT2A protein (p.Gln3460His).

Literature cited by the submitters: PubMed 32901917.

NM_001197104.2(KMT2A):c.10380G>C (p.Gln3460His)

Gene: KMT2A (lysine methyltransferase 2A; plus strand). Cytogenetic location: 11q23.3.
Variant type: single nucleotide variant.
Coding change: c.10380G>C on transcript NM_001197104.2 (MANE Select); coding-DNA position 10380, G replaced by C.
Protein change: p.Gln3460His; replaces glutamine 3460 with histidine.
Molecular consequence: missense variant.
Genome position (GRCh38, 1-based): chr11:118,506,272, G>C. VCF-style: chr11-118506272-G-C. GRCh37 (hg19) VCF-style: chr11-118376987-G-C.
Other names: c.10470G>C, p.Gln3490His (NM_001412597.1); c.10371G>C, p.Gln3457His (NM_005933.4); short protein forms Q3490H, Q3460H, Q3457H.
Identifiers: ClinVar variation 2908277 (VCV002908277.3), dbSNP rs200260418, ClinGen allele CA6304736.